The following is an entry in ClinVar:

ClinVar aggregate classification (germline): Uncertain significance (1 of 4 stars; one submission).

Allele frequency attached by ClinVar (database versions not stated): gnomAD exomes below 0.00001; ExAC 0.00001; gnomAD 0.00001; 1000 Genomes Project 0.00020; 1000 Genomes Project 30x 0.00031.
gnomAD v4.1: 2 of 1,610,534 alleles (0.00012%); highest among the groups gnomAD compares: East Asian, 0.0022%; no homozygotes.

Submission:

Labcorp Genetics (formerly Invitae), Labcorp
Classification: Uncertain significance. Last evaluated: 2022-08-16. Review status: criteria provided, single submitter. Criteria: Invitae Variant Classification Sherloc (09022015). Collection method: clinical testing. Allele origin: germline.
Comment: This sequence change replaces alanine, which is neutral and non-polar, with aspartic acid, which is acidic and polar, at codon 976 of the PCDH15 protein (p.Ala976Asp). This variant is present in population databases (rs544303134, gnomAD 0.006%). This variant has not been reported in the literature in individuals affected with PCDH15-related conditions. Algorithms developed to predict the effect of missense changes on protein structure and function are either unavailable or do not agree on the potential impact of this missense change (SIFT: "Deleterious"; PolyPhen-2: "Probably Damaging"; Align-GVGD: "Class C0"). In summary, the available evidence is currently insufficient to determine the role of this variant in disease. Therefore, it has been classified as a Variant of Uncertain Significance.

NM_001384140.1(PCDH15):c.2927C>A (p.Ala976Asp)

Gene: PCDH15 (protocadherin related 15; minus strand). Cytogenetic location: 10q21.1.
Variant type: single nucleotide variant.
Coding change: c.2927C>A on transcript NM_001384140.1 (MANE Select); coding-DNA position 2927, C replaced by A.
Protein change: p.Ala976Asp; replaces alanine 976 with aspartic acid.
Molecular consequence: missense variant.
Genome position (GRCh38, 1-based): chr10:53,961,834, G>T on the plus strand (C>A on the coding strand, the complement: PCDH15 is on the minus strand). VCF-style: chr10-53961834-G-T. GRCh37 (hg19) VCF-style: chr10-55721594-G-T.
Other names: c.2942C>A, p.Ala981Asp (NM_001142763.2, NM_001142771.2); c.2927C>A, p.Ala976Asp (NM_001142764.2, NM_001142766.2, NM_001142770.3 and 4 more transcripts); c.2714C>A, p.Ala905Asp (NM_001142765.2); c.2816C>A, p.Ala939Asp (NM_001142767.2); c.2861C>A, p.Ala954Asp (NM_001142768.2, NM_001142773.2, NM_001354404.2); c.2963C>A, p.Ala988Asp (NM_001142769.4); c.2948C>A, p.Ala983Asp (NM_001354411.2); short protein forms A983D, A988D, A939D, A976D, A905D, A954D, A981D.
Identifiers: ClinVar variation 1986518 (VCV001986518.1), dbSNP rs544303134, ClinGen allele CA5505875.